The following is an entry in ClinVar:

ClinVar aggregate classification (germline): Uncertain significance (1 of 4 stars; one submission).

Submission:

Labcorp Genetics (formerly Invitae), Labcorp
Classification: Uncertain significance. Last evaluated: 2023-10-03. Review status: criteria provided, single submitter. Criteria: Invitae Variant Classification Sherloc (09022015). Collection method: clinical testing. Allele origin: germline.
Comment: This sequence change replaces serine, which is neutral and polar, with asparagine, which is neutral and polar, at codon 341 of the MICAL1 protein (p.Ser341Asn). This variant is not present in population databases (gnomAD no frequency). This variant has not been reported in the literature in individuals affected with MICAL1-related conditions. Algorithms developed to predict the effect of missense changes on protein structure and function output the following: SIFT: "Not Available"; PolyPhen-2: "Benign"; Align-GVGD: "Not Available". The asparagine amino acid residue is found in multiple mammalian species, which suggests that this missense change does not adversely affect protein function. In summary, the available evidence is currently insufficient to determine the role of this variant in disease. Therefore, it has been classified as a Variant of Uncertain Significance.

NM_022765.4(MICAL1):c.965G>A (p.Ser322Asn)

Gene: MICAL1 (microtubule associated monooxygenase, calponin and LIM domain containing 1; minus strand). Cytogenetic location: 6q21.
Variant type: single nucleotide variant.
Coding change: c.965G>A on transcript NM_022765.4 (MANE Select); coding-DNA position 965, G replaced by A.
Protein change: p.Ser322Asn; replaces serine 322 with asparagine.
Molecular consequence: missense variant. On other transcripts: intron variant (1).
Genome position (GRCh38, 1-based): chr6:109,450,526, C>T on the plus strand (G>A on the coding strand, the complement: MICAL1 is on the minus strand). VCF-style: chr6-109450526-C-T. GRCh37 (hg19) VCF-style: chr6-109771729-C-T.
Other names: c.934-441G>A (NM_001159291.2); c.1022G>A, p.Ser341Asn (NM_001286613.2); short protein forms S341N, S322N.
Identifiers: ClinVar variation 2955326 (VCV002955326.3), dbSNP rs2482801348, ClinGen allele CA365231462.